The following is an entry in ClinVar:

NM_016239.4(MYO15A):c.5768G>A (p.Arg1923His)

Gene: MYO15A (myosin XVA; plus strand). Cytogenetic location: 17p11.2.
Variant type: single nucleotide variant.
Coding change: c.5768G>A on transcript NM_016239.4 (MANE Select); coding-DNA position 5768, G replaced by A.
Protein change: p.Arg1923His; replaces arginine 1923 with histidine.
Molecular consequence: missense variant.
Genome position (GRCh38, 1-based): chr17:18,142,197, G>A. VCF-style: chr17-18142197-G-A. GRCh37 (hg19) VCF-style: chr17-18045511-G-A.
Other names: c.5768G>A (NM_016239.3); short protein forms R1923H.
Identifiers: ClinVar variation 1143295 (VCV001143295.9), dbSNP rs571036199, ClinGen allele CA8424389.

ClinVar aggregate classification (germline): Conflicting classifications of pathogenicity. Review status: criteria provided, conflicting classifications (1 of 4 stars). 3 submissions from 3 submitters: Uncertain significance (1); Likely benign (2). Last evaluated 2025-02-06.

Allele frequency attached by ClinVar (database versions not stated): gnomAD 0.00005 and 0.00007; gnomAD exomes 0.00006 and 0.00007; TOPMed 0.00007; ExAC 0.00011; 1000 Genomes Project 30x 0.00016; 1000 Genomes Project 0.00020.
gnomAD v4.1: 95 of 1,613,626 alleles (0.0059%); highest among the groups gnomAD compares: South Asian, 0.033%; 1 homozygote.

Submissions (3):

Labcorp Genetics (formerly Invitae), Labcorp
Classification: Likely benign. Last evaluated: 2025-02-06. Review status: criteria provided, single submitter. Criteria: Invitae Variant Classification Sherloc (09022015). Collection method: clinical testing. Allele origin: germline.

GeneDx
Classification: Uncertain significance. Last evaluated: 2024-07-03. Review status: criteria provided, single submitter. Criteria: GeneDx Variant Classification Process June 2021. Collection method: clinical testing. Allele origin: germline. Affected: yes.
Comment: In silico analysis indicates that this missense variant does not alter protein structure/function; Has not been previously published as pathogenic or benign to our knowledge

Breakthrough Genomics
Classification: Likely benign. Review status: criteria provided, single submitter. Criteria: ACMG Guidelines, 2015. Collection method: not provided. Allele origin: germline. Inheritance: Autosomal recessive inheritance. Affected: yes.